The following is an entry in ClinVar:

ClinVar aggregate classification (germline): Uncertain significance. Review status: criteria provided, multiple submitters, no conflicts (2 of 4 stars). 3 submissions from 3 submitters: Uncertain significance (3). Last evaluated 2024-11-21.

Conditions:
Inborn genetic diseases. Identifiers: MedGen C0950123, MeSH D030342.

Allele frequency attached by ClinVar (database versions not stated): ExAC 0.00001; gnomAD exomes 0.00001; TOPMed 0.00002.

Submissions (3):

Ambry Genetics
Classification: Uncertain significance for Inborn genetic diseases. Last evaluated: 2024-11-21. Review status: criteria provided, single submitter. Criteria: Ambry Variant Classification Scheme 2023. Collection method: clinical testing. Allele origin: germline.

Mayo Clinic Laboratories, Mayo Clinic
Classification: Uncertain significance. Last evaluated: 2024-02-14. Review status: criteria provided, single submitter. Criteria: ACMG Guidelines, 2015. Collection method: clinical testing. Allele origin: germline. Observed: 1 variant allele.
Comment: PM2_moderate

Labcorp Genetics (formerly Invitae), Labcorp
Classification: Uncertain significance. Last evaluated: 2022-05-18. Review status: criteria provided, single submitter. Criteria: Invitae Variant Classification Sherloc (09022015). Collection method: clinical testing. Allele origin: germline.
Comment: This sequence change replaces arginine, which is basic and polar, with tryptophan, which is neutral and slightly polar, at codon 134 of the GNPTG protein (p.Arg134Trp). This variant is present in population databases (rs753205380, gnomAD 0.005%). This variant has not been reported in the literature in individuals affected with GNPTG-related conditions. Algorithms developed to predict the effect of missense changes on protein structure and function are either unavailable or do not agree on the potential impact of this missense change (SIFT: "Deleterious"; PolyPhen-2: "Probably Damaging"; Align-GVGD: "Class C0"). In summary, the available evidence is currently insufficient to determine the role of this variant in disease. Therefore, it has been classified as a Variant of Uncertain Significance.

NM_032520.5(GNPTG):c.400C>T (p.Arg134Trp)

Gene: GNPTG (N-acetylglucosamine-1-phosphate transferase subunit gamma; plus strand). Cytogenetic location: 16p13.3.
Variant type: single nucleotide variant.
Coding change: c.400C>T on transcript NM_032520.5 (MANE Select); coding-DNA position 400, C replaced by T.
Protein change: p.Arg134Trp; replaces arginine 134 with tryptophan.
Molecular consequence: missense variant.
Genome position (GRCh38, 1-based): chr16:1,362,120, C>T. VCF-style: chr16-1362120-C-T. GRCh37 (hg19) VCF-style: chr16-1412121-C-T.
Other names: p.Arg134Trp; c.400C>T (NM_032520.4); short protein forms R134W.
Identifiers: ClinVar variation 2138799 (VCV002138799.3), dbSNP rs753205380, ClinGen allele CA7807665.
Genomic context (GRCh38, chr16:1,362,120, plus strand): 5'-GCCAACAACACCTTCACGGGCATGTGGATGAGGGACGGTGACGCCTGCCGTTCCCGGAGC[C>T]GGCAGAGCAAGGTGGGGCCTCAGACGGGAGCCCGGGAAGAGGGGCCCCAGTCTCCCCAAC-3'
Protein context (NP_115909.1, residues 124-144): RDGDACRSRS[Arg134Trp]QSKVELACGK